The following is an entry in ClinVar:

ClinVar aggregate classification (germline): Uncertain significance. Review status: criteria provided, multiple submitters, no conflicts (2 of 4 stars). 3 submissions from 3 submitters: Uncertain significance (3). Last evaluated 2026-10-06.

Conditions:
Familial thoracic aortic aneurysm and aortic dissection (TAAD). Also called: Thoracic aortic aneurysms and dissections. Identifiers: Orphanet 91387, MedGen C4707243, MONDO:0019625.

Allele frequency attached by ClinVar (database versions not stated): TOPMed below 0.00001.
gnomAD v4.1: 2 of 1,612,154 alleles (0.00012%); highest among the groups gnomAD compares: African/African-American, 0.0013%; no homozygotes.

Submissions (3):

GeneDx
Classification: Uncertain significance. Last evaluated: 2026-10-06. Review status: criteria provided, single submitter. Criteria: GeneDx Variant Classification Process June 2021. Collection method: clinical testing. Allele origin: germline.
Comment: Not observed at significant frequency in large population cohorts (gnomAD); In silico analysis suggests that this missense variant does not alter protein structure/function; Has not been previously published as pathogenic or benign to our knowledge; Does not affect a cysteine or calcium-binding residue within an EGF-like domain or a TGF-binding protein domain of the FBN1 gene; cysteine substitutions in the EGF-like domains represent the majority of pathogenic missense changes associated with FBN1-related disorders (PMID: 12938084); This variant is associated with the following publications: (PMID: 12938084)

Ambry Genetics
Classification: Uncertain significance for Familial thoracic aortic aneurysm and aortic dissection. Last evaluated: 2026-08-05. Review status: criteria provided, single submitter. Criteria: Ambry Variant Classification Scheme 2023. Collection method: clinical testing. Allele origin: germline.

Color Diagnostics, LLC DBA Color Health
Classification: Uncertain significance for Familial thoracic aortic aneurysm and aortic dissection. Last evaluated: 2025-05-30. Review status: criteria provided, single submitter. Criteria: ACMG Guidelines, 2015. Collection method: clinical testing. Allele origin: germline.
Comment: This missense variant replaces arginine with threonine at codon 114 of the FBN1 protein. Computational prediction suggests that this variant may not impact protein structure and function. To our knowledge, functional studies have not been reported for this variant. This variant has not been reported in individuals affected with FBN1-related disorders in the literature. This variant has been identified in 1/31400 chromosomes in the general population by the Genome Aggregation Database (gnomAD). The available evidence is insufficient to determine the role of this variant in disease conclusively. Therefore, this variant is classified as a Variant of Uncertain Significance.

NM_000138.5(FBN1):c.341G>C (p.Arg114Thr)

Gene: FBN1 (fibrillin 1; minus strand). Cytogenetic location: 15q21.1.
Variant type: single nucleotide variant.
Coding change: c.341G>C on transcript NM_000138.5 (MANE Select); coding-DNA position 341, G replaced by C.
Protein change: p.Arg114Thr; replaces arginine 114 with threonine.
Molecular consequence: missense variant.
Genome position (GRCh38, 1-based): chr15:48,610,733, C>G on the plus strand (G>C on the coding strand, the complement: FBN1 is on the minus strand). VCF-style: chr15-48610733-C-G. GRCh37 (hg19) VCF-style: chr15-48902930-C-G.
Other names: c.341G>C, p.Arg114Thr (NM_001406716.1, NM_001406717.1); short protein forms R114T.
Identifiers: ClinVar variation 2442695 (VCV002442695.3), dbSNP rs986042040, ClinGen allele CA270059024.